The following is an entry in ClinVar:

NM_002439.5(MSH3):c.3000+1G>A

Gene: MSH3 (mutS homolog 3; plus strand). Cytogenetic location: 5q14.1.
Variant type: single nucleotide variant.
Coding change: c.3000+1G>A on transcript NM_002439.5 (MANE Select); the canonical splice donor site of the intron after coding-DNA position 3000, G replaced by A.
Molecular consequence: splice donor variant.
Genome position (GRCh38, 1-based): chr5:80,854,317, G>A. VCF-style: chr5-80854317-G-A. GRCh37 (hg19) VCF-style: chr5-80150136-G-A.
Other names: c.3000+1G>A (NM_002439.3).
Identifiers: ClinVar variation 2673483 (VCV002673483.3), dbSNP rs2112106713, ClinGen allele CA360275865.
Genomic context (GRCh38, chr5:80,854,317, plus strand): 5'-ACGAGCACTCATGATGGAATTGCCATTGCCTATGCTACACTTGAGTATTTCATCAGAGAT[G>A]TAAGTATCCGGTAAACTGTATTTAAAAAGAAATTAATTTGTAAATTATTATTTTTAAATG-3'

ClinVar aggregate classification (germline): Likely pathogenic. Review status: criteria provided, multiple submitters, no conflicts (2 of 4 stars). 3 submissions from 3 submitters: Likely pathogenic (3). Last evaluated 2025-11-12.

Conditions:
Familial adenomatous polyposis 4 (FAP4). Also called: MSH3-related attenuated familial adenomatous polyposis. Identifiers: Orphanet 480536, MedGen C4310719, MONDO:0044300, OMIM 617100.
Hereditary cancer-predisposing syndrome. Also called: Tumor predisposition; Hereditary neoplastic syndrome; Neoplastic Syndromes, Hereditary; Hereditary Cancer Syndrome. Identifiers: Orphanet 140162, MedGen C0027672, MeSH D009386, MONDO:0015356.

Allele frequency attached by ClinVar (database versions not stated): gnomAD exomes below 0.00001.
gnomAD v4.1: 1 of 1,612,182 alleles (0.000062%); highest among the groups gnomAD compares: Non-Finnish European, 0.000085%; no homozygotes.

Submissions (3):

Ambry Genetics
Classification: Likely pathogenic for Hereditary cancer-predisposing syndrome. Last evaluated: 2025-11-12. Review status: criteria provided, single submitter. Criteria: Ambry Variant Classification Scheme 2023. Collection method: clinical testing. Allele origin: germline.
Comment: The c.3000+1G>A intronic variant results from a G to A substitution one nucleotide after coding exon 21 of the MSH3 gene. This nucleotide position is highly conserved in available vertebrate species. In silico splice site analysis predicts that this alteration will weaken the native splice donor site and may result in the creation or strengthening of a novel splice donor site. This variant is considered to be rare based on population cohorts in the Genome Aggregation Database (gnomAD). Alterations that disrupt the canonical splice site are expected to cause aberrant splicing, resulting in an abnormal protein or a transcript that is subject to nonsense-mediated mRNA decay. As such, this alteration is classified as likely pathogenic.

Labcorp Genetics (formerly Invitae), Labcorp
Classification: Likely pathogenic. Last evaluated: 2025-05-08. Review status: criteria provided, single submitter. Criteria: Invitae Variant Classification Sherloc (09022015). Collection method: clinical testing. Allele origin: germline.
Comment: This sequence change affects a donor splice site in intron 21 of the MSH3 gene. It is expected to disrupt RNA splicing. Variants that disrupt the donor or acceptor splice site typically lead to a loss of protein function (PMID: 16199547), and loss-of-function variants in MSH3 are known to be pathogenic (PMID: 27476653, 37402566). This variant is not present in population databases (gnomAD no frequency). This variant has not been reported in the literature in individuals affected with MSH3-related conditions. ClinVar contains an entry for this variant (Variation ID: 2673483). Algorithms developed to predict the effect of sequence changes on RNA splicing suggest that this variant may disrupt the consensus splice site. In summary, the currently available evidence indicates that the variant is pathogenic, but additional data are needed to prove that conclusively. Therefore, this variant has been classified as Likely Pathogenic.

Myriad Genetics, Inc.
Classification: Likely pathogenic for Familial adenomatous polyposis 4. Last evaluated: 2023-08-31. Review status: criteria provided, single submitter. Criteria: Myriad Autosomal Dominant, Autosomal Recessive and X-Linked Classification Criteria (2023). Collection method: clinical testing. Allele origin: unknown.
Comment: This variant is considered likely pathogenic. This variant occurs within a consensus splice junction and is predicted to result in abnormal mRNA splicing of either an out-of-frame exon or an in-frame exon necessary for protein stability and/or normal function.

Literature cited by the submitters: PubMed 16199547 (cited by Labcorp Genetics (formerly Invitae), Labcorp); PubMed 27476653 (cited by Labcorp Genetics (formerly Invitae), Labcorp); PubMed 37402566 (cited by Labcorp Genetics (formerly Invitae), Labcorp).